The following is an entry in ClinVar:

ClinVar aggregate classification (germline): Pathogenic (1 of 4 stars; one submission).

Conditions:
Multiple congenital exostosis (EXT). Also called: Multiple osteochondromas; MULTIPLE CARTILAGINOUS EXOSTOSES; Hereditary multiple osteochondromas; Hereditary multiple exostoses; Hereditary multiple exostosis; Multiple exostoses. Identifiers: Orphanet 321, MedGen C0015306, MONDO:0005508, HP:0002762.

Submission:

Labcorp Genetics (formerly Invitae), Labcorp
Classification: Pathogenic for Multiple congenital exostosis. Last evaluated: 2025-04-27. Review status: criteria provided, single submitter. Criteria: Invitae Variant Classification Sherloc (09022015). Collection method: clinical testing. Allele origin: germline.
Comment: This sequence change replaces cysteine, which is neutral and slightly polar, with tryptophan, which is neutral and slightly polar, at codon 355 of the EXT1 protein (p.Cys355Trp). This variant is not present in population databases (gnomAD no frequency). This missense change has been observed in individual(s) with clinical features of hereditary multiple osteochondromas (PMID: 33414810; internal data). Invitae Evidence Modeling of protein sequence and biophysical properties (such as structural, functional, and spatial information, amino acid conservation, physicochemical variation, residue mobility, and thermodynamic stability) indicates that this missense variant is expected to disrupt EXT1 protein function with a positive predictive value of 80%. This variant disrupts the p.Cys355 amino acid residue in EXT1. Other variant(s) that disrupt this residue have been determined to be pathogenic (PMID: 26961984; internal data). This suggests that this residue is clinically significant, and that variants that disrupt this residue are likely to be disease-causing. For these reasons, this variant has been classified as Pathogenic.

Literature cited by the submitters: PubMed 33414810; PubMed 26961984.

NM_000127.3(EXT1):c.1065C>G (p.Cys355Trp)

Gene: EXT1 (exostosin glycosyltransferase 1; minus strand). Cytogenetic location: 8q24.11.
Variant type: single nucleotide variant.
Coding change: c.1065C>G on transcript NM_000127.3 (MANE Select); coding-DNA position 1065, C replaced by G.
Protein change: p.Cys355Trp; replaces cysteine 355 with tryptophan.
Molecular consequence: missense variant.
Genome position (GRCh38, 1-based): chr8:117,835,543, G>C on the plus strand (C>G on the coding strand, the complement: EXT1 is on the minus strand). VCF-style: chr8-117835543-G-C. GRCh37 (hg19) VCF-style: chr8-118847782-G-C.
Other names: short protein forms C355W.
Identifiers: ClinVar variation 4763815 (VCV004763815.1).